The following is an entry in ClinVar:

NM_004281.4(BAG3):c.693G>A (p.Thr231=)

Gene: BAG3 (BAG cochaperone 3; plus strand). Cytogenetic location: 10q26.11.
Variant type: single nucleotide variant.
Coding change: c.693G>A on transcript NM_004281.4 (MANE Select); coding-DNA position 693, G replaced by A.
Protein change: p.Thr231=; no amino-acid change (threonine 231 retained).
Molecular consequence: synonymous variant.
Genome position (GRCh38, 1-based): chr10:119,672,440, G>A. VCF-style: chr10-119672440-G-A. GRCh37 (hg19) VCF-style: chr10-121431952-G-A.
Identifiers: ClinVar variation 298958 (VCV000298958.50), dbSNP rs144034433, ClinGen allele CA5716395.

ClinVar aggregate classification (germline): Conflicting classifications of pathogenicity. Review status: criteria provided, conflicting classifications (1 of 4 stars). 11 submissions from 10 submitters: Uncertain significance (1); Benign (1); Likely benign (7). 2 of the submissions do not count toward it. Last evaluated 2026-03-27.

Conditions:
Cardiovascular phenotype. Identifiers: MedGen CN230736.
Myofibrillar myopathy 6. Identifiers: Orphanet 199340, MedGen C2751831, MONDO:0013061, OMIM 612954.
Dilated cardiomyopathy 1HH (CMD1HH). Identifiers: Orphanet 154, MedGen C3151293, MONDO:0013479, OMIM 613881.

Allele frequency attached by ClinVar (database versions not stated): gnomAD 0.00006; ESP Exome Variant Server 0.00008; TOPMed 0.00019.
gnomAD v4.1: 96 of 1,614,074 alleles (0.0059%); highest among the groups gnomAD compares: Admixed American, 0.08%; no homozygotes.

Submissions (11):

Molecular Diagnostic Laboratory for Inherited Cardiovascular Disease, Montreal Heart Institute
Classification: Likely benign. Last evaluated: 2026-03-27. Review status: criteria provided, single submitter. Criteria: ACMG Guidelines, 2015. Collection method: clinical testing. Allele origin: germline. Affected: no.
Comment: BS1;BP7

Labcorp Genetics (formerly Invitae), Labcorp
Classification: Likely benign for Dilated cardiomyopathy 1HH; Myofibrillar myopathy 6. Last evaluated: 2026-01-27. Review status: criteria provided, single submitter. Criteria: Invitae Variant Classification Sherloc (09022015). Collection method: clinical testing. Allele origin: germline.

Blueprint Genetics
Classification: Likely benign. Last evaluated: 2024-01-23. Review status: criteria provided, single submitter. Criteria: ACMG Guidelines, 2015. Collection method: clinical testing. Allele origin: germline.

CeGaT Center for Human Genetics Tuebingen
Classification: Likely benign. Last evaluated: 2023-08-01. Review status: criteria provided, single submitter. Criteria: CeGaT Center For Human Genetics Tuebingen Variant Classification Criteria Version 2. Collection method: clinical testing. Allele origin: germline. Affected: yes. Observed: 2 variant alleles.
Comment: BAG3: BP4, BP7

Women's Health and Genetics/Laboratory Corporation of America, LabCorp
Classification: Benign. Last evaluated: 2021-08-05. Review status: criteria provided, single submitter. Criteria: LabCorp Variant Classification Summary - May 2015. Collection method: clinical testing. Allele origin: germline.

Ambry Genetics
Classification: Likely benign for Cardiovascular phenotype. Last evaluated: 2020-03-31. Review status: criteria provided, single submitter. Criteria: Ambry Variant Classification Scheme 2023. Collection method: clinical testing. Allele origin: germline.

GeneDx
Classification: Likely benign. Last evaluated: 2019-05-03. Review status: criteria provided, single submitter. Criteria: GeneDx Variant Classification Process June 2021. Collection method: clinical testing. Allele origin: germline. Affected: yes.

Illumina Laboratory Services, Illumina
Classification: Likely benign for Myofibrillar myopathy 6. Last evaluated: 2018-01-13. Review status: criteria provided, single submitter. Criteria: ICSL Variant Classification Criteria 13 December 2019. Collection method: clinical testing. Allele origin: germline.
Comment: This variant was observed in the ICSL laboratory as part of a predisposition screen in an ostensibly healthy population. It had not been previously curated by ICSL or reported in the Human Gene Mutation Database (HGMD: prior to June 1st, 2018), and was therefore a candidate for classification through an automated scoring system. Utilizing variant allele frequency, disease prevalence and penetrance estimates, and inheritance mode, an automated score was calculated to assess if this variant is too frequent to cause the disease. Based on the score and internal cut-off values, a variant classified as likely benign is not then subjected to further curation. The score for this variant resulted in a classification of likely benign for this disease.

Illumina Laboratory Services, Illumina
Classification: Uncertain significance for Dilated cardiomyopathy 1HH. Last evaluated: 2018-01-13. Review status: criteria provided, single submitter. Criteria: ICSL Variant Classification Criteria 13 December 2019. Collection method: clinical testing. Allele origin: germline.

Clinical Genetics DNA and cytogenetics Diagnostics Lab, Erasmus MC, Erasmus Medical Center
Classification: Likely benign. Review status: no assertion criteria provided. Collection method: clinical testing. Allele origin: germline. Affected: yes. Study: VKGL Data-share Consensus. Not counted in ClinVar's aggregate classification.

Clinical Genetics, Academic Medical Center
Classification: Benign. Review status: no assertion criteria provided. Collection method: clinical testing. Allele origin: germline. Affected: yes. Study: VKGL Data-share Consensus. Not counted in ClinVar's aggregate classification.